The following is an entry in ClinVar:

ClinVar aggregate classification (germline): Pathogenic/Likely pathogenic. Review status: criteria provided, multiple submitters, no conflicts (2 of 4 stars). 2 submissions from 2 submitters: Pathogenic (1); Likely pathogenic (1). Last evaluated 2025-03-31.

Conditions:
Short-rib thoracic dysplasia 14 with polydactyly (SRTD14). Identifiers: Orphanet 397715, MedGen C4225286, MONDO:0014688, OMIM 616546.
Joubert syndrome 23 (JBTS23). Identifiers: Orphanet 475, MedGen C4084822, MONDO:0014664, OMIM 616490.
KIAA0586-related disorder. Also called: KIAA0586-related condition; KIAA0586- Related disorders.

Allele frequency attached by ClinVar (database versions not stated): TOPMed below 0.00001; gnomAD exomes 0.00001.

Submissions (2):

Labcorp Genetics (formerly Invitae), Labcorp
Classification: Pathogenic for Joubert syndrome 23; Short-rib thoracic dysplasia 14 with polydactyly. Last evaluated: 2025-03-31. Review status: criteria provided, single submitter. Criteria: Invitae Variant Classification Sherloc (09022015). Collection method: clinical testing. Allele origin: germline.
Comment: This sequence change creates a premature translational stop signal (p.Val1287Serfs*7) in the KIAA0586 gene. It is expected to result in an absent or disrupted protein product. Loss-of-function variants in KIAA0586 are known to be pathogenic (PMID: 26096313, 26166481, 26386044). This variant is present in population databases (no rsID available, gnomAD 0.01%). This variant has not been reported in the literature in individuals affected with KIAA0586-related conditions. ClinVar contains an entry for this variant (Variation ID: 1429932). For these reasons, this variant has been classified as Pathogenic.

Blueprint Genetics
Classification: Likely pathogenic for KIAA0586-related disorders. Last evaluated: 2024-03-14. Review status: criteria provided, single submitter. Criteria: ACMG Guidelines, 2015. Collection method: clinical testing. Allele origin: germline. Affected: yes. Observed: 3 variant alleles.

Literature cited by the submitters: PubMed 26096313 (cited by Labcorp Genetics (formerly Invitae), Labcorp); PubMed 26166481 (cited by Labcorp Genetics (formerly Invitae), Labcorp); PubMed 26386044 (cited by Labcorp Genetics (formerly Invitae), Labcorp).

NM_001329943.3(KIAA0586):c.3700del (p.Val1234fs)

Gene: KIAA0586 (KIAA0586; plus strand). Cytogenetic location: 14q23.1.
Variant type: Deletion.
Coding change: c.3700del on transcript NM_001329943.3 (MANE Select); coding-DNA position 3700, one base deleted (G; older notation c.3700delG).
Protein change: p.Val1234fs; shifts the reading frame from valine 1234.
Molecular consequence: frameshift variant.
Genome position (GRCh38, 1-based): chr14:58,488,793, G deleted. VCF-style (leftmost placement, unchanged base first): chr14-58488792-TG-T. GRCh37 (hg19) VCF-style: chr14-58955510-TG-T.
Other names: c.3859del, p.Val1287fs (NM_001244189.2); c.3655del, p.Val1219fs (NM_001244190.2); c.3445del, p.Val1149fs (NM_001244191.2, NM_001329945.2, NM_001364700.1 and 1 more transcripts); c.3568del, p.Val1190fs (NM_001244192.2); c.3280del, p.Val1094fs (NM_001244193.2); c.3700del, p.Val1234fs (NM_001329944.2, NM_001329946.2, NM_001329947.2); c.3472del, p.Val1158fs (NM_014749.5); short protein forms V1094fs, V1219fs, V1158fs, V1190fs, V1234fs, V1287fs, V1149fs.
Identifiers: ClinVar variation 1429932 (VCV001429932.7), dbSNP rs1253807820, ClinGen allele CA614733395.
Genomic context (GRCh38, chr14:58,488,792, plus strand): 5'-TTCCCCCTCACAGATGCCAGGTTCTGATTCATCAACACTGGAGAGCACATTGAGTGTTAC[TG>T]TCACTGAAACTGAAACTTTAGATAAACCCATCTCTGAAGGAGAGATTTTATTTAGCTGTG-3'